The following is an entry in ClinVar:

ClinVar aggregate classification (germline): Uncertain significance (1 of 4 stars; one submission).

Conditions:
Beta-D-mannosidosis (MANSB). Also called: MANNOSIDOSIS, BETA A, LYSOSOMAL; BETA-MANNOSIDASE DEFICIENCY; LYSOSOMAL BETA-MANNOSIDASE DEFICIENCY; Beta-Mannosidosis. Identifiers: Orphanet 118, MedGen C4048196, MONDO:0009562, OMIM 248510.

Allele frequency attached by ClinVar (database versions not stated): gnomAD 0.00001; TOPMed 0.00003.
gnomAD v4.1: 20 of 1,612,702 alleles (0.0012%); highest among the groups gnomAD compares: East Asian, 0.0045%; no homozygotes.

Submission:

Labcorp Genetics (formerly Invitae), Labcorp
Classification: Uncertain significance for Beta-D-mannosidosis. Last evaluated: 2021-10-08. Review status: criteria provided, single submitter. Criteria: Invitae Variant Classification Sherloc (09022015). Collection method: clinical testing. Allele origin: germline.
Comment: This sequence change replaces arginine with glutamine at codon 474 of the MANBA protein (p.Arg474Gln). The arginine residue is weakly conserved and there is a small physicochemical difference between arginine and glutamine. This variant is present in population databases (rs779506935, ExAC 0.01%). This variant has not been reported in the literature in individuals affected with MANBA-related conditions. Algorithms developed to predict the effect of missense changes on protein structure and function output the following: SIFT: "Tolerated"; PolyPhen-2: "Benign"; Align-GVGD: "Class C0". The glutamine amino acid residue is found in multiple mammalian species, which suggests that this missense change does not adversely affect protein function. Algorithms developed to predict the effect of sequence changes on RNA splicing suggest that this variant may create or strengthen a splice site. In summary, the available evidence is currently insufficient to determine the role of this variant in disease. Therefore, it has been classified as a Variant of Uncertain Significance.

NM_005908.4(MANBA):c.1421G>A (p.Arg474Gln)

Gene: MANBA (mannosidase beta; minus strand). Cytogenetic location: 4q24.
Variant type: single nucleotide variant.
Coding change: c.1421G>A on transcript NM_005908.4 (MANE Select); coding-DNA position 1421, G replaced by A.
Protein change: p.Arg474Gln; replaces arginine 474 with glutamine.
Molecular consequence: missense variant.
Genome position (GRCh38, 1-based): chr4:102,664,749, C>T on the plus strand (G>A on the coding strand, the complement: MANBA is on the minus strand). VCF-style: chr4-102664749-C-T. GRCh37 (hg19) VCF-style: chr4-103585906-C-T.
Other names: short protein forms R474Q.
Identifiers: ClinVar variation 1442227 (VCV001442227.3), dbSNP rs779506935, ClinGen allele CA3026912.
Genomic context (GRCh38, chr4:102,664,749, plus strand): 5'-AGTACGAGCTCTCTGATGTTTTTCACATAGAGTGTCACATAGTCCTTGATGTAGATTGGC[C>T]GGTCAGTGAAACTGATATGATACCAATTCATCATCAGCGCCTCCTCATTTTCATTATTGC-3'
Protein context (NP_005899.3, residues 464-484): MNWYHISFTD[Arg474Gln]PIYIKDYVTL